The following is an entry in ClinVar:

ClinVar aggregate classification (germline): Uncertain significance (1 of 4 stars; one submission).

Conditions:
Developmental and epileptic encephalopathy, 23 (DEE23). Also called: Epileptic encephalopathy, early infantile, 23. Identifiers: Orphanet 411986, MedGen C4014492, MONDO:0014371, OMIM 615859.

Submission:

Labcorp Genetics (formerly Invitae), Labcorp
Classification: Uncertain significance for Epileptic encephalopathy, early infantile, 23. Last evaluated: 2019-05-03. Review status: criteria provided, single submitter. Criteria: Invitae Variant Classification Sherloc (09022015). Collection method: clinical testing. Allele origin: germline.
Comment: This sequence change replaces leucine with phenylalanine at codon 143 of the DOCK7 protein (p.Leu143Phe). The leucine residue is moderately conserved and there is a small physicochemical difference between leucine and phenylalanine. This variant is not present in population databases (ExAC no frequency). This variant has not been reported in the literature in individuals with DOCK7-related disease. Algorithms developed to predict the effect of missense changes on protein structure and function do not agree on the potential impact of this missense change (SIFT: "Tolerated"; PolyPhen-2: "Possibly Damaging"; Align-GVGD: "Class C0"). In summary, the available evidence is currently insufficient to determine the role of this variant in disease. Therefore, it has been classified as a Variant of Uncertain Significance.

NM_001367561.1(DOCK7):c.429A>C (p.Leu143Phe)

Gene: DOCK7 (dedicator of cytokinesis 7; minus strand). Cytogenetic location: 1p31.3.
Variant type: single nucleotide variant.
Coding change: c.429A>C on transcript NM_001367561.1 (MANE Select); coding-DNA position 429, A replaced by C.
Protein change: p.Leu143Phe; replaces leucine 143 with phenylalanine.
Molecular consequence: missense variant.
Genome position (GRCh38, 1-based): chr1:62,648,505, T>G on the plus strand (A>C on the coding strand, the complement: DOCK7 is on the minus strand). VCF-style: chr1-62648505-T-G. GRCh37 (hg19) VCF-style: chr1-63114176-T-G.
Other names: c.429A>C, p.Leu143Phe (NM_001271999.2, NM_001272000.2, NM_001272001.2 and 3 more transcripts); short protein forms L143F.
Identifiers: ClinVar variation 541922 (VCV000541922.2), dbSNP rs766243416, ClinGen allele CA340628611.